The following is an entry in ClinVar:

ClinVar aggregate classification (germline): Likely benign. Review status: criteria provided, single submitter (1 of 4 stars). 2 submissions from 2 submitters: Likely benign (1). 1 of the submissions does not count toward it. Last evaluated 2023-09-23.

Conditions:
NPHP1-related disorder. Also called: NPHP1-related disorders; NPHP1-related condition.
Nephronophthisis. Also called: Juvenile Nephronophthisis. Identifiers: Orphanet 655, MedGen C0687120, MONDO:0019005, HP:0000090.

Submissions (2):

Labcorp Genetics (formerly Invitae), Labcorp
Classification: Likely benign for Nephronophthisis. Last evaluated: 2023-09-23. Review status: criteria provided, single submitter. Criteria: Invitae Variant Classification Sherloc (09022015). Collection method: clinical testing. Allele origin: germline.

PreventionGenetics, part of Exact Sciences
Classification: Likely benign for NPHP1-related condition. Last evaluated: 2022-11-17. Review status: no assertion criteria provided. Collection method: clinical testing. Allele origin: germline. Not counted in ClinVar's aggregate classification.
Comment: This variant is classified as likely benign based on ACMG/AMP sequence variant interpretation guidelines (Richards et al. 2015 PMID: 25741868, with internal and published modifications).

NM_001128178.3(NPHP1):c.728+8del

Gene: NPHP1 (nephrocystin 1; minus strand). Cytogenetic location: 2q13.
Variant type: Deletion.
Coding change: c.728+8del on transcript NM_001128178.3 (MANE Select); 8 bases into the intron after coding-DNA position 728, one base deleted (A; older notation c.728+8delA).
Molecular consequence: intron variant.
Genome position (GRCh38, 1-based): chr2:110,165,044, T deleted on the plus strand (A on the coding strand, the reverse complement: NPHP1 is on the minus strand); the first of 4 consecutive T bases (chr2:110,165,044-110,165,047); deleting any one gives the same sequence. VCF-style (leftmost placement, unchanged base first): chr2-110165043-CT-C. GRCh37 (hg19) VCF-style: chr2-110922620-CT-C.
Other names: c.542+8del (NM_001128179.3); c.728+8del (NM_001374256.1, NM_001374257.1, NM_207181.4 and 1 more transcripts).
Identifiers: ClinVar variation 215727 (VCV000215727.13), dbSNP rs863224357, ClinGen allele CA336098.
Genomic context (GRCh38, chr2:110,165,043, plus strand): 5'-TATAATAATAAAAATAAACAAATAAAATGTTTCCTAAACCTACTTTGATATCCTTTCCCA[CT>C]TTTGTACCTTTGCTTAACTTCTGCTCCATCTGCTGTTTCATCCACCGCCTCTACATCTTC-3'